The following is an entry in ClinVar:

NM_006348.5(COG5):c.1055T>C (p.Phe352Ser)

Gene: COG5 (component of oligomeric golgi complex 5; minus strand). Cytogenetic location: 7q22.3.
Variant type: single nucleotide variant.
Coding change: c.1055T>C on transcript NM_006348.5 (MANE Select); coding-DNA position 1055, T replaced by C.
Protein change: p.Phe352Ser; replaces phenylalanine 352 with serine.
Molecular consequence: missense variant. On other transcripts: intron variant (1).
Genome position (GRCh38, 1-based): chr7:107,324,493, A>G on the plus strand (T>C on the coding strand, the complement: COG5 is on the minus strand). VCF-style: chr7-107324493-A-G. GRCh37 (hg19) VCF-style: chr7-106964938-A-G.
Other names: c.1055T>C, p.Phe352Ser (NM_001161520.2, NM_001379511.1, NM_001379512.1 and 3 more transcripts); c.341T>C, p.Phe114Ser (NM_001379516.1); c.539-26147T>C (NM_001379515.1); short protein forms F352S, F114S.
Identifiers: ClinVar variation 1377898 (VCV001377898.6), dbSNP rs2129027601, ClinGen allele CA368941404.

ClinVar aggregate classification (germline): Uncertain significance (1 of 4 stars; one submission).

Conditions:
COG5-congenital disorder of glycosylation. Also called: CONGENITAL DISORDER OF GLYCOSYLATION, TYPE IIi; CDG IIi; COG5-CDG. Identifiers: Orphanet 263487, MedGen C3150876, MONDO:0013325, OMIM 613612.

Submission:

Labcorp Genetics (formerly Invitae), Labcorp
Classification: Uncertain significance for COG5-congenital disorder of glycosylation. Last evaluated: 2021-08-27. Review status: criteria provided, single submitter. Criteria: Invitae Variant Classification Sherloc (09022015). Collection method: clinical testing. Allele origin: germline.
Comment: In summary, the available evidence is currently insufficient to determine the role of this variant in disease. Therefore, it has been classified as a Variant of Uncertain Significance. Algorithms developed to predict the effect of missense changes on protein structure and function are either unavailable or do not agree on the potential impact of this missense change (SIFT: "Tolerated"; PolyPhen-2: "Probably Damaging"; Align-GVGD: "Class C0"). This variant has not been reported in the literature in individuals affected with COG5-related conditions. This variant is not present in population databases (ExAC no frequency). This sequence change replaces phenylalanine with serine at codon 383 of the COG5 protein (p.Phe383Ser). The phenylalanine residue is highly conserved and there is a large physicochemical difference between phenylalanine and serine.